The following is an entry in ClinVar:

NM_003442.6(ZNF143):c.1767A>T (p.Leu589Phe)

Gene: ZNF143 (zinc finger protein 143; plus strand). Cytogenetic location: 11p15.4.
Variant type: single nucleotide variant.
Coding change: c.1767A>T on transcript NM_003442.6 (MANE Select); coding-DNA position 1767, A replaced by T.
Protein change: p.Leu589Phe; replaces leucine 589 with phenylalanine.
Molecular consequence: missense variant.
Genome position (GRCh38, 1-based): chr11:9,525,320, A>T. VCF-style: chr11-9525320-A-T. GRCh37 (hg19) VCF-style: chr11-9546867-A-T.
Other names: c.1764A>T, p.Leu588Phe (NM_001282656.2); c.1674A>T, p.Leu558Phe (NM_001282657.2); short protein forms L558F, L589F, L588F.
Identifiers: ClinVar variation 1926837 (VCV001926837.5), dbSNP rs747995997, ClinGen allele CA379632331.

ClinVar aggregate classification (germline): Uncertain significance (1 of 4 stars; one submission).

Allele frequency attached by ClinVar (database versions not stated): TOPMed 0.00001.

Submission:

Labcorp Genetics (formerly Invitae), Labcorp
Classification: Uncertain significance. Last evaluated: 2025-06-02. Review status: criteria provided, single submitter. Criteria: Invitae Variant Classification Sherloc (09022015). Collection method: clinical testing. Allele origin: germline.
Comment: This sequence change replaces leucine, which is neutral and non-polar, with phenylalanine, which is neutral and non-polar, at codon 589 of the ZNF143 protein (p.Leu589Phe). This variant is not present in population databases (gnomAD no frequency). This variant has not been reported in the literature in individuals affected with ZNF143-related conditions. ClinVar contains an entry for this variant (Variation ID: 1926837). An algorithm developed to predict the effect of missense changes on protein structure and function (PolyPhen-2) suggests that this variant is likely to be disruptive. In summary, the available evidence is currently insufficient to determine the role of this variant in disease. Therefore, it has been classified as a Variant of Uncertain Significance.